The following is an entry in ClinVar:

ClinVar aggregate classification (germline): Uncertain significance. Review status: criteria provided, multiple submitters, no conflicts (2 of 4 stars). 2 submissions from 2 submitters: Uncertain significance (2). Last evaluated 2024-06-20.

Conditions:
Neutral 1 amino acid transport defect (HND). Also called: HARTNUP DISORDER; Hartnup disease. Identifiers: Orphanet 2116, MedGen C0018609, MONDO:0009324, OMIM 234500.

Allele frequency attached by ClinVar (database versions not stated): gnomAD exomes 0.00002; ExAC 0.00004; TOPMed 0.00005; gnomAD 0.00006; ESP Exome Variant Server 0.00023; 1000 Genomes Project 0.00040; 1000 Genomes Project 30x 0.00047.

Submissions (2):

Fulgent Genetics
Classification: Uncertain significance for Neutral 1 amino acid transport defect. Last evaluated: 2024-06-20. Review status: criteria provided, single submitter. Criteria: ACMG Guidelines, 2015. Collection method: clinical testing. Allele origin: germline.

Labcorp Genetics (formerly Invitae), Labcorp
Classification: Uncertain significance. Last evaluated: 2022-06-28. Review status: criteria provided, single submitter. Criteria: Invitae Variant Classification Sherloc (09022015). Collection method: clinical testing. Allele origin: germline.
Comment: This sequence change replaces proline, which is neutral and non-polar, with serine, which is neutral and polar, at codon 230 of the SLC6A19 protein (p.Pro230Ser). This variant is present in population databases (rs141497538, gnomAD 0.03%). This variant has not been reported in the literature in individuals affected with SLC6A19-related conditions. Algorithms developed to predict the effect of missense changes on protein structure and function are either unavailable or do not agree on the potential impact of this missense change (SIFT: "Deleterious"; PolyPhen-2: "Possibly Damaging"; Align-GVGD: "Class C0"). In summary, the available evidence is currently insufficient to determine the role of this variant in disease. Therefore, it has been classified as a Variant of Uncertain Significance.

NM_001003841.3(SLC6A19):c.688C>T (p.Pro230Ser)

Gene: SLC6A19 (solute carrier family 6 member 19; plus strand). Cytogenetic location: 5p15.33.
Variant type: single nucleotide variant.
Coding change: c.688C>T on transcript NM_001003841.3 (MANE Select); coding-DNA position 688, C replaced by T.
Protein change: p.Pro230Ser; replaces proline 230 with serine.
Molecular consequence: missense variant.
Genome position (GRCh38, 1-based): chr5:1,213,487, C>T. VCF-style: chr5-1213487-C-T. GRCh37 (hg19) VCF-style: chr5-1213602-C-T.
Other names: short protein forms P230S.
Identifiers: ClinVar variation 1476735 (VCV001476735.5), dbSNP rs141497538, ClinGen allele CA3182838.